The following is an entry in ClinVar:

ClinVar aggregate classification (germline): Uncertain significance (1 of 4 stars; one submission).

Conditions:
Inborn genetic diseases. Identifiers: MedGen C0950123, MeSH D030342.

Submission:

Ambry Genetics
Classification: Uncertain significance for Inborn genetic diseases. Last evaluated: 2026-08-15. Review status: criteria provided, single submitter. Criteria: Ambry Variant Classification Scheme 2023. Collection method: clinical testing. Allele origin: germline.
Comment: The p.T128N variant (also known as c.383C>A), located in coding exon 3 of the PAX5 gene, results from a C to A substitution at nucleotide position 383. The threonine at codon 128 is replaced by asparagine, an amino acid with similar properties. This amino acid position is conserved. In addition, the in silico prediction for this alteration is inconclusive. Based on the available evidence, the clinical significance of this variant remains unclear.

NM_016734.3(PAX5):c.383C>A (p.Thr128Asn)

Gene: PAX5 (paired box 5; minus strand). Cytogenetic location: 9p13.2.
Variant type: single nucleotide variant.
Coding change: c.383C>A on transcript NM_016734.3 (MANE Select); coding-DNA position 383, C replaced by A.
Protein change: p.Thr128Asn; replaces threonine 128 with asparagine.
Molecular consequence: missense variant. On other transcripts: non-coding transcript variant (2), intron variant (1).
Genome position (GRCh38, 1-based): chr9:37,015,024, G>T on the plus strand (C>A on the coding strand, the complement: PAX5 is on the minus strand). VCF-style: chr9-37015024-G-T. GRCh37 (hg19) VCF-style: chr9-37015021-G-T.
Other names: c.383C>A, p.Thr128Asn (NM_001280547.2, NM_001280548.2, NM_001280549.2 and 4 more transcripts); c.59C>A, p.Thr20Asn (NM_001280551.2, NM_001280556.2); c.212+5612C>A (NM_001280555.2); short protein forms T128N, T20N.
Identifiers: ClinVar variation 5026314 (VCV005026314.1).
Genomic context (GRCh38, chr9:37,015,024, plus strand): 5'-AATCCCCAACCCCCACAGGCACGAGCCCCTCACCTGTTGATGGAACTGACGCTAGGCACG[G>T]TGTCATTGTCACACACCCGCTCTGCCAGCAGCCGGTCCCTGATCTCCCAGGCAAACATGG-3'
Protein context (NP_057953.1, residues 118-138): LLAERVCDND[Thr128Asn]VPSVSSINRI